The following is an entry in ClinVar:

NM_015450.3(POT1):c.854_855del (p.Val285fs)

Gene: POT1 (protection of telomeres 1; minus strand). Cytogenetic location: 7q31.33.
Variant type: Microsatellite.
Coding change: c.854_855del on transcript NM_015450.3 (MANE Select); coding-DNA positions 854 to 855, 2 bases deleted (TG; older notation c.854_855delTG).
Protein change: p.Val285fs; shifts the reading frame from valine 285.
Molecular consequence: frameshift variant. On other transcripts: non-coding transcript variant (3).
Genome position (GRCh38, 1-based): chr7:124,852,986-124,852,987, CA deleted on the plus strand (TG on the coding strand, the reverse complement: POT1 is on the minus strand); deleting any 2 consecutive bases within chr7:124,852,986-124,852,989 gives the same sequence; the c. name uses the placement nearest the transcript's 3' end. VCF-style (leftmost placement, unchanged base first): chr7-124852985-CCA-C. GRCh37 (hg19) VCF-style: chr7-124493039-CCA-C.
Other names: c.461_462del, p.Val154fs (NM_001042594.2); c.854_855delTG (NM_015450.2); short protein forms V285fs, V154fs.
Identifiers: ClinVar variation 2896354 (VCV002896354.4), dbSNP rs2485441296, ClinGen allele CA2739278862.

ClinVar aggregate classification (germline): Pathogenic. Review status: criteria provided, multiple submitters, no conflicts (2 of 4 stars). 2 submissions from 2 submitters: Pathogenic (2). Last evaluated 2025-12-28.

Conditions:
Hereditary cancer-predisposing syndrome. Also called: Hereditary neoplastic syndrome; Neoplastic Syndromes, Hereditary; Tumor predisposition; Hereditary Cancer Syndrome. Identifiers: Orphanet 140162, MedGen C0027672, MeSH D009386, MONDO:0015356.
Tumor predisposition syndrome 3 (TPDS3). Also called: Melanoma, cutaneous malignant, susceptibility to, 10; Glioma susceptibility 9; LONG TELOMERE SYNDROME, POT1-RELATED; POT1 Tumor Predisposition. Identifiers: Orphanet 618, MedGen C4014476, MONDO:0014368, OMIM 615848.

Submissions (2):

Labcorp Genetics (formerly Invitae), Labcorp
Classification: Pathogenic for Tumor predisposition syndrome 3. Last evaluated: 2025-12-28. Review status: criteria provided, single submitter. Criteria: Invitae Variant Classification Sherloc (09022015). Collection method: clinical testing. Allele origin: germline.
Comment: This sequence change creates a premature translational stop signal (p.Val285Glyfs*27) in the POT1 gene. It is expected to result in an absent or disrupted protein product. Loss-of-function variants in POT1 are known to be pathogenic (PMID: 32155570). This variant is not present in population databases (gnomAD no frequency). This variant has not been reported in the literature in individuals affected with POT1-related conditions. For these reasons, this variant has been classified as Pathogenic.

Ambry Genetics
Classification: Pathogenic for Hereditary cancer-predisposing syndrome. Last evaluated: 2024-01-17. Review status: criteria provided, single submitter. Criteria: Ambry Variant Classification Scheme 2023. Collection method: clinical testing. Allele origin: germline.
Comment: The c.854_855delTG pathogenic mutation, located in coding exon 6 of the POT1 gene, results from a deletion of two nucleotides at nucleotide positions 854 to 855, causing a translational frameshift with a predicted alternate stop codon (p.V285Gfs*27). This variant is considered to be rare based on population cohorts in the Genome Aggregation Database (gnomAD). This alteration is expected to result in loss of function by premature protein truncation or nonsense-mediated mRNA decay. As such, this alteration is interpreted as a disease-causing mutation.

Literature cited by the submitters: PubMed 32155570 (cited by Labcorp Genetics (formerly Invitae), Labcorp).